The following is an entry in ClinVar:

NM_001267550.2(TTN):c.101890C>T (p.Arg33964Cys)

Genes: TTN (titin; minus strand), TTN-AS1 (TTN antisense RNA 1; plus strand). Cytogenetic location: 2q31.2.
Variant type: single nucleotide variant.
Coding change: c.101890C>T on transcript NM_001267550.2 (MANE Select); coding-DNA position 101890, C replaced by T.
Protein change: p.Arg33964Cys; replaces arginine 33964 with cysteine.
Molecular consequence: missense variant.
Genome position (GRCh38, 1-based): chr2:178,534,725, G>A on the plus strand (C>T on the coding strand, the complement: TTN is on the minus strand). VCF-style: chr2-178534725-G-A. GRCh37 (hg19) VCF-style: chr2-179399452-G-A.
Other names: c.101890C>T (NM_001267550.1); c.96967C>T, p.Arg32323Cys (NM_001256850.1); c.74695C>T, p.Arg24899Cys (NM_003319.4); c.94186C>T, p.Arg31396Cys (NM_133378.4); c.75070C>T, p.Arg25024Cys (NM_133432.3); c.75271C>T, p.Arg25091Cys (NM_133437.4); short protein forms R31396C, R33964C, R24899C, R25024C, R25091C, R32323C.
Identifiers: ClinVar variation 592742 (VCV000592742.11), dbSNP rs779064623, ClinGen allele CA1985827.

ClinVar aggregate classification (germline): Uncertain significance. Review status: criteria provided, multiple submitters, no conflicts (2 of 4 stars). 4 submissions from 4 submitters: Uncertain significance (4). Last evaluated 2022-12-10.

Conditions:
TTN-related disorder. Also called: TTN-related disorders; TTN-related condition; TTN-related disease.

Allele frequency attached by ClinVar (database versions not stated): TOPMed 0.00002.
gnomAD v4.1: 20 of 1,613,646 alleles (0.0012%); highest among the groups gnomAD compares: Non-Finnish European, 0.0016%; no homozygotes.

Submissions (4):

PreventionGenetics, part of Exact Sciences
Classification: Uncertain significance for TTN-related condition. Last evaluated: 2022-12-10. Review status: criteria provided, single submitter. Criteria: ACMG Guidelines, 2015. Collection method: clinical testing. Allele origin: germline.
Comment: The TTN c.101890C>T variant is predicted to result in the amino acid substitution p.Arg33964Cys. To our knowledge, this variant has not been reported in the literature. This variant is reported in 0.0046% of alleles in individuals of European (Finnish) descent in gnomAD. At this time, the clinical significance of this variant is uncertain due to the absence of conclusive functional and genetic evidence.

GeneDx
Classification: Uncertain significance. Last evaluated: 2022-12-01. Review status: criteria provided, single submitter. Criteria: GeneDx Variant Classification Process June 2021. Collection method: clinical testing. Allele origin: germline. Affected: yes.
Comment: Not observed at significant frequency in large population cohorts (gnomAD); Missense variant in a gene in which most reported pathogenic variants are truncating/loss-of-function; Has not been previously published as pathogenic or benign to our knowledge; This variant is associated with the following publications: (PMID: 26582918)

Revvity Omics, Revvity
Classification: Uncertain significance. Last evaluated: 2019-02-22. Review status: criteria provided, single submitter. Criteria: ACMG Guidelines, 2015. Collection method: clinical testing. Allele origin: germline.

Eurofins Ntd Llc (ga)
Classification: Uncertain significance. Last evaluated: 2018-08-16. Review status: criteria provided, single submitter. Criteria: EGL ClinVar v180209 classification definitions. Collection method: clinical testing. Allele origin: germline. Observed: 2 variant alleles, 2 heterozygotes.